The following is an entry in ClinVar:

ClinVar aggregate classification (germline): Likely benign. Review status: criteria provided, multiple submitters, no conflicts (2 of 4 stars). 2 submissions from 2 submitters: Likely benign (2). Last evaluated 2025-10-09.

Allele frequency attached by ClinVar (database versions not stated): TOPMed 0.00005; ExAC 0.00008; ESP Exome Variant Server 0.00008.
gnomAD v4.1: 168 of 1,559,886 alleles (0.011%); highest among the groups gnomAD compares: Non-Finnish European, 0.014%; no homozygotes.

Submissions (2):

Labcorp Genetics (formerly Invitae), Labcorp
Classification: Likely benign. Last evaluated: 2025-10-09. Review status: criteria provided, single submitter. Criteria: Invitae Variant Classification Sherloc (09022015). Collection method: clinical testing. Allele origin: germline.

Mayo Clinic Laboratories, Mayo Clinic
Classification: Likely benign. Last evaluated: 2024-12-05. Review status: criteria provided, single submitter. Criteria: ACMG Guidelines, 2015. Collection method: clinical testing. Allele origin: germline. Observed: 2 variant alleles.
Comment: BP4, BP7

NM_001368882.1(COL13A1):c.885+8T>A

Gene: COL13A1 (collagen type XIII alpha 1 chain; plus strand). Cytogenetic location: 10q22.1.
Variant type: single nucleotide variant.
Coding change: c.885+8T>A on transcript NM_001368882.1 (MANE Select); 8 bases into the intron after coding-DNA position 885, T replaced by A.
Molecular consequence: intron variant.
Genome position (GRCh38, 1-based): chr10:69,904,967, T>A. VCF-style: chr10-69904967-T-A. GRCh37 (hg19) VCF-style: chr10-71664723-T-A.
Other names: p.?; c.885+8T>A (NM_001320951.2, NM_001368884.1); c.915+8T>A (NM_001130103.2); c.849+8T>A (NM_080801.4, NM_080802.4, NM_001368883.1 and 1 more transcripts); c.858+8T>A (NM_080800.4); c.285+8T>A (NM_001368886.1); c.762+8T>A (NM_080805.4); c.771+8T>A (NM_001368897.1); and 2 more.
Identifiers: ClinVar variation 2976640 (VCV002976640.4), dbSNP rs369265018, ClinGen allele CA5534469.